The following is an entry in ClinVar:

ClinVar aggregate classification (germline): Likely benign (1 of 4 stars; one submission).

Allele frequency attached by ClinVar (database versions not stated): gnomAD exomes 0.00001.
gnomAD v4.1: 3 of 1,614,216 alleles (0.00019%); highest among the groups gnomAD compares: East Asian, 0.0022%; no homozygotes.

Submission:

CeGaT Center for Human Genetics Tuebingen
Classification: Likely benign. Last evaluated: 2024-07-01. Review status: criteria provided, single submitter. Criteria: CeGaT Center For Human Genetics Tuebingen Variant Classification Criteria Version 2. Collection method: clinical testing. Allele origin: germline. Affected: yes. Observed: 1 variant allele.
Comment: KANK1: PM2:Supporting, BP4, BP7

NM_015158.5(KANK1):c.1170A>G (p.Ser390=)

Gene: KANK1 (KN motif and ankyrin repeat domains 1; plus strand). Cytogenetic location: 9p24.3.
Variant type: single nucleotide variant.
Coding change: c.1170A>G on transcript NM_015158.5 (MANE Select); coding-DNA position 1170, A replaced by G.
Protein change: p.Ser390=; no amino-acid change (serine 390 retained).
Molecular consequence: synonymous variant. On other transcripts: non-coding transcript variant (1).
Genome position (GRCh38, 1-based): chr9:711,936, A>G. VCF-style: chr9-711936-A-G. GRCh37 (hg19) VCF-style: chr9-711936-A-G.
Other names: c.1170A>G, p.Ser390= (NM_001256876.3, NM_001256877.3, NM_001354331.2 and 2 more transcripts); c.696A>G, p.Ser232= (NM_001354333.2, NM_001354335.2, NM_001354336.2 and 9 more transcripts).
Identifiers: ClinVar variation 3250956 (VCV003250956.18), dbSNP rs1826227691.